The following is an entry in ClinVar:

NM_181552.4(CUX1):c.4381G>C (p.Gly1461Arg)

Gene: CUX1 (cut like homeobox 1; plus strand). Cytogenetic location: 7q22.1.
Variant type: single nucleotide variant.
Coding change: c.4381G>C on transcript NM_181552.4 (MANE Select); coding-DNA position 4381, G replaced by C.
Protein change: p.Gly1461Arg; replaces glycine 1461 with arginine.
Molecular consequence: missense variant. On other transcripts: intron variant (5).
Genome position (GRCh38, 1-based): chr7:102,248,905, G>C. VCF-style: chr7-102248905-G-C. GRCh37 (hg19) VCF-style: chr7-101892185-G-C.
Other names: c.4414G>C, p.Gly1472Arg (NM_001202543.2); c.1256-24461G>C (NM_001913.5); c.1250-24461G>C (NM_181500.4); c.1118-24461G>C (NM_001202545.3); c.1208-24461G>C (NM_001202544.3); c.1139-24461G>C (NM_001202546.3); short protein forms G1461R, G1472R.
Identifiers: ClinVar variation 2663640 (VCV002663640.1), dbSNP rs1357447896, ClinGen allele CA368669973.

ClinVar aggregate classification (germline): Uncertain significance (1 of 4 stars; one submission).

gnomAD v4.1: 2 of 1,433,416 alleles (0.00014%); highest among the groups gnomAD compares: Non-Finnish European, 0.00018%; no homozygotes.

Submission:

GeneDx
Classification: Uncertain significance. Last evaluated: 2023-03-31. Review status: criteria provided, single submitter. Criteria: GeneDx Variant Classification Process June 2021. Collection method: clinical testing. Allele origin: germline. Affected: yes.
Comment: Not observed at significant frequency in large population cohorts (gnomAD); In silico analysis supports that this missense variant does not alter protein structure/function; Has not been previously published as pathogenic or benign to our knowledge